The following is an entry in ClinVar:

NM_001277115.2(DNAH11):c.8427_8428delinsAC (p.Ile2810Leu)

Gene: DNAH11 (dynein axonemal heavy chain 11; plus strand). Cytogenetic location: 7p15.3.
Variant type: Indel.
Coding change: c.8427_8428delinsAC on transcript NM_001277115.2 (MANE Select); coding-DNA positions 8427 to 8428, GA replaced by AC.
Protein change: p.Ile2810Leu; replaces isoleucine 2810 with leucine.
Molecular consequence: missense variant.
Genome position (GRCh38, 1-based): chr7:21,744,980-21,744,981, GA replaced by AC. VCF-style: chr7-21744980-GA-AC. GRCh37 (hg19) VCF-style: chr7-21784598-GA-AC.
Other names: short protein forms I2810L.
Identifiers: ClinVar variation 4806638 (VCV004806638.1).

ClinVar aggregate classification (germline): Uncertain significance (1 of 4 stars; one submission).

Conditions:
Primary ciliary dyskinesia. Also called: Ciliary dyskinesia. Identifiers: Orphanet 244, MedGen C0008780, MONDO:0016575, HP:0012265.

Submission:

Labcorp Genetics (formerly Invitae), Labcorp
Classification: Uncertain significance for Primary ciliary dyskinesia. Last evaluated: 2025-05-04. Review status: criteria provided, single submitter. Criteria: Invitae Variant Classification Sherloc (09022015). Collection method: clinical testing. Allele origin: germline.
Comment: This sequence change replaces isoleucine, which is neutral and non-polar, with leucine, which is neutral and non-polar, at codon 2810 of the DNAH11 protein (p.Ile2810Leu). Information on the frequency of this variant in the gnomAD database is not available, as this variant may be reported differently in the database. This variant has not been reported in the literature in individuals affected with DNAH11-related conditions. Experimental studies and prediction algorithms are not available or were not evaluated, and the functional significance of this variant is currently unknown. In summary, the available evidence is currently insufficient to determine the role of this variant in disease. Therefore, it has been classified as a Variant of Uncertain Significance.